The following is an entry in ClinVar:

NM_000260.4(MYO7A):c.1890CTT[1] (p.Phe632del)

Gene: MYO7A (myosin VIIA; plus strand). Cytogenetic location: 11q13.5.
Variant type: Microsatellite.
Coding change: c.1890CTT[1] on transcript NM_000260.4 (MANE Select); one copy of the 3-base unit CTT starting at c.1890; the reference has two copies in a row; one copy, 3 bases deleted.
Protein change: p.Phe632del; deletes phenylalanine 632.
Molecular consequence: inframe deletion.
Genome position (GRCh38, 1-based): chr11:77,172,843-77,172,845, CTT deleted; deleting any 3 consecutive bases within chr11:77,172,840-77,172,845 gives the same sequence; the position shown is the placement nearest the transcript's 3' end. VCF-style (leftmost placement, unchanged base first): chr11-77172839-CCTT-C. GRCh37 (hg19) VCF-style: chr11-76883885-CCTT-C.
Other names: c.1890CTT[1], p.Phe632del (NM_001127180.2); c.1857CTT[1], p.Phe621del (NM_001369365.1); short protein forms F621del, F632del.
Identifiers: ClinVar variation 2779225 (VCV002779225.3), dbSNP rs2497043068, ClinGen allele CA2739270690.

ClinVar aggregate classification (germline): Uncertain significance (1 of 4 stars; one submission).

Submission:

Labcorp Genetics (formerly Invitae), Labcorp
Classification: Uncertain significance. Last evaluated: 2024-01-02. Review status: criteria provided, single submitter. Criteria: Invitae Variant Classification Sherloc (09022015). Collection method: clinical testing. Allele origin: germline.
Comment: This variant, c.1893_1895del, results in the deletion of 1 amino acid(s) of the MYO7A protein (p.Phe632del), but otherwise preserves the integrity of the reading frame. This variant is not present in population databases (gnomAD no frequency). This variant has been observed in individual(s) with deafness (Invitae). Experimental studies and prediction algorithms are not available or were not evaluated, and the functional significance of this variant is currently unknown. In summary, the available evidence is currently insufficient to determine the role of this variant in disease. Therefore, it has been classified as a Variant of Uncertain Significance.